The following is an entry in ClinVar:

NM_002485.5(NBN):c.480+3A>G

Gene: NBN (nibrin; minus strand). Cytogenetic location: 8q21.3.
Variant type: single nucleotide variant.
Coding change: c.480+3A>G on transcript NM_002485.5 (MANE Select); 3 bases into the intron after coding-DNA position 480, A replaced by G.
Molecular consequence: intron variant.
Genome position (GRCh38, 1-based): chr8:89,980,731, T>C on the plus strand (A>G on the coding strand, the complement: NBN is on the minus strand). VCF-style: chr8-89980731-T-C. GRCh37 (hg19) VCF-style: chr8-90992959-T-C.
Other names: c.234+3A>G (NM_001024688.3).
Identifiers: ClinVar variation 187563 (VCV000187563.28), dbSNP rs756817252, ClinGen allele CA197966.

ClinVar aggregate classification (germline): Conflicting classifications of pathogenicity. Review status: criteria provided, conflicting classifications (1 of 4 stars). 8 submissions from 8 submitters: Pathogenic (1); Uncertain significance (6). 1 of the submissions does not count toward it. Last evaluated 2026-08-19.

Conditions:
Hereditary cancer-predisposing syndrome. Also called: Neoplastic Syndromes, Hereditary; Tumor predisposition; Hereditary neoplastic syndrome; Hereditary Cancer Syndrome. Identifiers: Orphanet 140162, MedGen C0027672, MeSH D009386, MONDO:0015356.
Aplastic anemia. Identifiers: Orphanet 182040, Orphanet 88, MedGen C0002874, MONDO:0015909, OMIM 609135, HP:0001915.
Microcephaly, normal intelligence and immunodeficiency (NBS). Also called: Immunodeficiency, microcephaly with normal intelligence; IMMUNODEFICIENCY, MICROCEPHALY, AND CHROMOSOMAL INSTABILITY; Ataxia telangiectasia variant V1; Nijmegen breakage syndrome; Microcephaly with normal intelligence immunodeficiency and lymphoreticular malignancies; Nonsyndromal microcephaly autosomal recessive with normal intelligence. Identifiers: Orphanet 647, MedGen C0398791, MONDO:0009623, OMIM 251260.

Allele frequency attached by ClinVar (database versions not stated): gnomAD exomes below 0.00001; ExAC 0.00001; TOPMed 0.00001.
gnomAD v4.1: 4 of 1,607,758 alleles (0.00025%); highest among the groups gnomAD compares: Non-Finnish European, 0.00034%; no homozygotes.

Submissions (8):

Myriad Genetics, Inc.
Classification: Uncertain significance for Microcephaly, normal intelligence and immunodeficiency. Last evaluated: 2026-08-19. Review status: criteria provided, single submitter. Criteria: Myriad Autosomal Dominant, Autosomal Recessive and X-Linked Classification Criteria (2023). Collection method: clinical testing. Allele origin: unknown.
Comment: NM_002485.4(NBN):c.480+3A>G is an intronic variant classified as a variant of uncertain significance in the context of Nijmegen breakage syndrome. c.480+3A>G has not been observed in cases with relevant disease. Relevant functional assessments of this variant are not available in the literature. c.480+3A>G has been observed in referenced population frequency databases. In summary, there is insufficient evidence to classify NM_002485.4(NBN):c.480+3A>G as pathogenic or benign. Please note: this variant was assessed in the context of healthy population screening.

Labcorp Genetics (formerly Invitae), Labcorp
Classification: Pathogenic for Microcephaly, normal intelligence and immunodeficiency. Last evaluated: 2025-11-12. Review status: criteria provided, single submitter. Criteria: Invitae Variant Classification Sherloc (09022015). Collection method: clinical testing. Allele origin: germline.
Comment: This sequence change falls in intron 4 of the NBN gene. It does not directly change the encoded amino acid sequence of the NBN protein. RNA analysis indicates that this variant induces altered splicing and may result in an absent or altered protein product. This variant is present in population databases (rs756817252, gnomAD 0.0009%). This variant has not been reported in the literature in individuals affected with NBN-related conditions. ClinVar contains an entry for this variant (Variation ID: 187563). Variants that disrupt the consensus splice site are a relatively common cause of aberrant splicing (PMID: 17576681, 9536098). Studies have shown that this variant results in skipping of exon 4, and produces a non-functional protein and/or introduces a premature termination codon (internal data). For these reasons, this variant has been classified as Pathogenic.

Ambry Genetics
Classification: Uncertain significance for Hereditary cancer-predisposing syndrome. Last evaluated: 2023-09-19. Review status: criteria provided, single submitter. Criteria: Ambry Variant Classification Scheme 2023. Collection method: clinical testing. Allele origin: germline.
Comment: The c.480+3A>G intronic variant results from an A to G substitution 3 nucleotides after coding exon 4 in the NBN gene. This nucleotide position is highly conserved in available vertebrate species. In silico splice site analysis predicts that this alteration may weaken the native splice donor site and may result in the creation or strengthening of a novel splice donor site; however, direct evidence is insufficient at this time (Ambry internal data). Since supporting evidence is limited at this time, the clinical significance of this alteration remains unclear.

Baylor Genetics
Classification: Uncertain significance for Aplastic anemia. Last evaluated: 2022-07-20. Review status: criteria provided, single submitter. Criteria: ACMG Guidelines, 2015. Collection method: clinical testing. Allele origin: unknown.

Sema4
Classification: Uncertain significance for Hereditary cancer-predisposing syndrome. Last evaluated: 2022-03-04. Review status: criteria provided, single submitter. Criteria: Sema4 Curation Guidelines. Collection method: curation. Allele origin: germline.
Comment: The NBN c.480+3A>G variant has not been reported in the literature to our knowledge. This variant was observed in 1/113620 chromosomes of the non-Finnish European population of the Genome Aggregation Database (PMID: 32461654). This variant has been reported in ClinVar (Variation ID: 187563). In silico tools suggest a negative effect on normal splicing, though these predictions have not been confirmed by functional studies. The evidence is insufficient to meet ACMG/AMP criteria for classifying the variant as benign or pathogenic. Thus, the clinical significance of this variant is currently uncertain.

Genome-Nilou Lab
Classification: Uncertain significance for Microcephaly, normal intelligence and immunodeficiency. Last evaluated: 2021-11-07. Review status: criteria provided, single submitter. Criteria: ACMG Guidelines, 2015. Collection method: clinical testing. Allele origin: germline. Affected: no.

GeneDx
Classification: Uncertain significance. Last evaluated: 2018-02-16. Review status: criteria provided, single submitter. Criteria: GeneDx Variant Classification (06012015). Collection method: clinical testing. Allele origin: germline. Affected: yes.
Comment: This variant is denoted NBN c.480+3A>G or IVS4+3A>G and consists of an A>G nucleotide substitution at the +3 position of intron 4 of the NBN gene. In silico analysis, which includes splice predictors and evolutionary conservation, supports a deleterious effect; however, in the absence of RNA or functional studies, the actual effect of this variant is unknown. This variant has not, to our knowledge, been published in the literature as pathogenic or benign. NBN c.480+3A>G was not observed at a significant allele frequency in large population cohorts (Lek 2016). Based on currently available information, it is unclear whether NBN c.480+3A>G is pathogenic or benign. We consider it to be a variant of uncertain significance.

Natera, Inc.
Classification: Uncertain significance for Nijmegen breakage syndrome. Last evaluated: 2021-10-05. Review status: no assertion criteria provided. Collection method: clinical testing. Allele origin: germline. Not counted in ClinVar's aggregate classification.

Literature cited by the submitters: PubMed 17576681 (cited by Labcorp Genetics (formerly Invitae), Labcorp); PubMed 9536098 (cited by Labcorp Genetics (formerly Invitae), Labcorp).